The following is an entry in ClinVar:

ClinVar aggregate classification (germline): Conflicting classifications of pathogenicity. Review status: criteria provided, conflicting classifications (1 of 4 stars). 5 submissions from 5 submitters: Uncertain significance (4); Likely benign (1). Last evaluated 2025-07-27.

Conditions:
Hereditary cancer-predisposing syndrome. Also called: Hereditary neoplastic syndrome; Tumor predisposition; Hereditary Cancer Syndrome; Neoplastic Syndromes, Hereditary. Identifiers: Orphanet 140162, MedGen C0027672, MeSH D009386, MONDO:0015356.
Hereditary breast ovarian cancer syndrome. Also called: BRCA1- and BRCA2-Associated Hereditary Breast and Ovarian Cancer; Hereditary breast and ovarian cancer syndrome (HBOC); Hereditary breast and/or ovarian cancer syndrome; Hereditary breast and ovarian cancer syndrome; Hereditary breast and ovarian cancer; Breast and ovarian cancer. Identifiers: Orphanet 145, MedGen C0677776, MeSH D061325, MONDO:0003582. Disease mechanism: loss of function.

Allele frequency attached by ClinVar (database versions not stated): gnomAD 0.00001; TOPMed 0.00001; ESP Exome Variant Server 0.00008.

Submissions (5):

Labcorp Genetics (formerly Invitae), Labcorp
Classification: Uncertain significance for Hereditary breast ovarian cancer syndrome. Last evaluated: 2025-07-27. Review status: criteria provided, single submitter. Criteria: Invitae Variant Classification Sherloc (09022015). Collection method: clinical testing. Allele origin: germline.
Comment: This sequence change replaces arginine, which is basic and polar, with isoleucine, which is neutral and non-polar, at codon 1677 of the BRCA2 protein (p.Arg1677Ile). This variant is present in population databases (rs375304428, gnomAD 0.004%). This missense change has been observed in individual(s) with clinical features of BRCA2-related conditions (PMID: 26580448). ClinVar contains an entry for this variant (Variation ID: 220506). Invitae Evidence Modeling of protein sequence and biophysical properties (such as structural, functional, and spatial information, amino acid conservation, physicochemical variation, residue mobility, and thermodynamic stability) indicates that this missense variant is not expected to disrupt BRCA2 protein function with a negative predictive value of 95%. In summary, the available evidence is currently insufficient to determine the role of this variant in disease. Therefore, it has been classified as a Variant of Uncertain Significance.

Color Diagnostics, LLC DBA Color Health
Classification: Uncertain significance for Hereditary cancer-predisposing syndrome. Last evaluated: 2024-10-15. Review status: criteria provided, single submitter. Criteria: ACMG Guidelines, 2015. Collection method: clinical testing. Allele origin: germline.
Comment: This missense variant replaces arginine with isoleucine at codon 1677 of the BRCA2 protein. Computational prediction suggests that this variant may not impact protein structure and function. To our knowledge, functional studies have not been reported for this variant. This variant has been reported in an individual affected with pediatric leukemia (PMID: 26580448). This variant has been identified in 1/31370 chromosomes in the general population by the Genome Aggregation Database (gnomAD). The available evidence is insufficient to determine the role of this variant in disease conclusively. Therefore, this variant is classified as a Variant of Uncertain Significance.

Ambry Genetics
Classification: Uncertain significance for Hereditary cancer-predisposing syndrome. Last evaluated: 2024-05-16. Review status: criteria provided, single submitter. Criteria: Ambry Variant Classification Scheme 2023. Collection method: clinical testing. Allele origin: germline.
Comment: The p.R1677I variant (also known as c.5030G>T), located in coding exon 10 of the BRCA2 gene, results from a G to T substitution at nucleotide position 5030. The arginine at codon 1677 is replaced by isoleucine, an amino acid with similar properties. This amino acid position is not well conserved in available vertebrate species. In addition, the in silico prediction for this alteration is inconclusive. Since supporting evidence is limited at this time, the clinical significance of this alteration remains unclear.

University of Washington Department of Laboratory Medicine, University of Washington
Classification: Likely benign for Hereditary cancer-predisposing syndrome. Last evaluated: 2023-03-23. Review status: criteria provided, single submitter. Criteria: Dines et al. (Genet Med. 2020). Collection method: curation. Allele origin: germline.
Comment: Missense variant in a coldspot region where missense variants are very unlikely to be pathogenic (PMID:31911673).

BRCA2 exon 11 coldspot. Reclassification based on statistical prior probability.

Quest Diagnostics Nichols Institute San Juan Capistrano
Classification: Uncertain significance. Last evaluated: 2021-01-15. Review status: criteria provided, single submitter. Criteria: Quest Diagnostics criteria. Collection method: clinical testing. Allele origin: unknown.

Literature cited by the submitters: PubMed 26580448 (cited by Labcorp Genetics (formerly Invitae), Labcorp and Color Diagnostics, LLC DBA Color Health).

NM_000059.4(BRCA2):c.5030G>T (p.Arg1677Ile)

Gene: BRCA2 (BRCA2 DNA repair associated; plus strand). Cytogenetic location: 13q13.1.
Variant type: single nucleotide variant.
Coding change: c.5030G>T on transcript NM_000059.4 (MANE Select); coding-DNA position 5030, G replaced by T.
Protein change: p.Arg1677Ile; replaces arginine 1677 with isoleucine.
Molecular consequence: missense variant.
Genome position (GRCh38, 1-based): chr13:32,339,385, G>T. VCF-style: chr13-32339385-G-T. GRCh37 (hg19) VCF-style: chr13-32913522-G-T.
Other names: short protein forms R1677I.
Identifiers: ClinVar variation 220506 (VCV000220506.17), dbSNP rs375304428, ClinGen allele CA348192.